The following is an entry in ClinVar:

ClinVar aggregate classification (germline): Uncertain significance (1 of 4 stars; one submission).

Submission:

Labcorp Genetics (formerly Invitae), Labcorp
Classification: Uncertain significance. Last evaluated: 2022-07-24. Review status: criteria provided, single submitter. Criteria: Invitae Variant Classification Sherloc (09022015). Collection method: clinical testing. Allele origin: germline.
Comment: In summary, the available evidence is currently insufficient to determine the role of this variant in disease. Therefore, it has been classified as a Variant of Uncertain Significance. Advanced modeling of protein sequence and biophysical properties (such as structural, functional, and spatial information, amino acid conservation, physicochemical variation, residue mobility, and thermodynamic stability) performed at Invitae indicates that this missense variant is not expected to disrupt FAT4 protein function. This variant has not been reported in the literature in individuals affected with FAT4-related conditions. This variant is not present in population databases (gnomAD no frequency). This sequence change replaces valine, which is neutral and non-polar, with glycine, which is neutral and non-polar, at codon 474 of the FAT4 protein (p.Val474Gly).

NM_001291303.3(FAT4):c.1421T>G (p.Val474Gly)

Gene: FAT4 (FAT atypical cadherin 4; plus strand). Cytogenetic location: 4q28.1.
Variant type: single nucleotide variant.
Coding change: c.1421T>G on transcript NM_001291303.3 (MANE Select); coding-DNA position 1421, T replaced by G.
Protein change: p.Val474Gly; replaces valine 474 with glycine.
Molecular consequence: missense variant.
Genome position (GRCh38, 1-based): chr4:125,317,832, T>G. VCF-style: chr4-125317832-T-G. GRCh37 (hg19) VCF-style: chr4-126238987-T-G.
Other names: c.1421T>G, p.Val474Gly (NM_001291285.3, NM_024582.6); short protein forms V474G.
Identifiers: ClinVar variation 1713703 (VCV001713703.5), dbSNP rs2530427909, ClinGen allele CA358117864.